The following is an entry in ClinVar:

NM_004260.4(RECQL4):c.320A>C (p.Gln107Pro)

Gene: RECQL4 (RecQ like helicase 4; minus strand). Cytogenetic location: 8q24.3.
Variant type: single nucleotide variant.
Coding change: c.320A>C on transcript NM_004260.4 (MANE Select); coding-DNA position 320, A replaced by C.
Protein change: p.Gln107Pro; replaces glutamine 107 with proline.
Molecular consequence: missense variant.
Genome position (GRCh38, 1-based): chr8:144,517,084, T>G on the plus strand (A>C on the coding strand, the complement: RECQL4 is on the minus strand). VCF-style: chr8-144517084-T-G. GRCh37 (hg19) VCF-style: chr8-145742468-T-G.
Other names: c.320A>C (NM_004260.3); short protein forms Q107P.
Identifiers: ClinVar variation 1347694 (VCV001347694.7), dbSNP rs564527898, ClinGen allele CA372692002.

ClinVar aggregate classification (germline): Uncertain significance. Review status: criteria provided, multiple submitters, no conflicts (2 of 4 stars). 2 submissions from 2 submitters: Uncertain significance (2). Last evaluated 2024-11-26.

Conditions:
Baller-Gerold syndrome (BGS). Also called: CRANIOSYNOSTOSIS WITH RADIAL DEFECTS. Identifiers: Orphanet 1225, MedGen C0265308, MONDO:0009039, OMIM 218600.
Inborn genetic diseases. Identifiers: MedGen C0950123, MeSH D030342.

Submissions (2):

Ambry Genetics
Classification: Uncertain significance for Inborn genetic diseases. Last evaluated: 2024-11-26. Review status: criteria provided, single submitter. Criteria: Ambry Variant Classification Scheme 2023. Collection method: clinical testing. Allele origin: germline.
Comment: The p.Q107P variant (also known as c.320A>C), located in coding exon 4 of the RECQL4 gene, results from an A to C substitution at nucleotide position 320. The glutamine at codon 107 is replaced by proline, an amino acid with similar properties. This amino acid position is conserved. In addition, this alteration is predicted to be tolerated by in silico analysis. Based on the available evidence, the clinical significance of this variant remains unclear.

Labcorp Genetics (formerly Invitae), Labcorp
Classification: Uncertain significance for Baller-Gerold syndrome. Last evaluated: 2024-02-09. Review status: criteria provided, single submitter. Criteria: Invitae Variant Classification Sherloc (09022015). Collection method: clinical testing. Allele origin: germline.
Comment: This sequence change replaces glutamine, which is neutral and polar, with proline, which is neutral and non-polar, at codon 107 of the RECQL4 protein (p.Gln107Pro). This variant is not present in population databases (gnomAD no frequency). This variant has not been reported in the literature in individuals affected with RECQL4-related conditions. ClinVar contains an entry for this variant (Variation ID: 1347694). Advanced modeling of protein sequence and biophysical properties (such as structural, functional, and spatial information, amino acid conservation, physicochemical variation, residue mobility, and thermodynamic stability) performed at Invitae indicates that this missense variant is not expected to disrupt RECQL4 protein function with a negative predictive value of 80%. In summary, the available evidence is currently insufficient to determine the role of this variant in disease. Therefore, it has been classified as a Variant of Uncertain Significance.